The following is an entry in ClinVar:

NM_144599.5(NIPA1):c.24GGC[10] (p.Ala15_Ala16dup)

Genes: NIPA1 (NIPA magnesium transporter 1; plus strand), LOC130056709 (ATAC-STARR-seq lymphoblastoid silent region 6259; plus strand). Cytogenetic location: 15q11.2.
Variant type: Microsatellite.
Coding change: c.24GGC[10] on transcript NM_144599.5 (MANE Select); ten copies in a row of the 3-base unit GGC starting at c.24; the reference has eight copies in a row; two copies, 6 bases duplicated; also written c.42_47dup.
Protein change: p.Ala15_Ala16dup.
Molecular consequence: inframe insertion. On other transcripts: intron variant (1).
Genome position (GRCh38, 1-based): chr15:22,786,698-22,786,703, GGCGGC duplicated; duplicating any 6 consecutive bases within chr15:22,786,678-22,786,703 gives the same sequence; the position shown is the placement nearest the transcript's 3' end. VCF-style (leftmost placement, unchanged base first): chr15-22786677-A-AGCGGCG. GRCh37 (hg19) VCF-style: chr15-23086364-G-GGCCGCC.
Other names: p.Ala15_Ala16dup; c.42_47dup (NM_144599.5); c.-48+430GCG[10] (NM_001142275.1); c.42_47dup6 (NM_144599.4).
Identifiers: ClinVar variation 193496 (VCV000193496.25), dbSNP rs531550505, ClinGen allele CA200624.

ClinVar aggregate classification (germline): Conflicting classifications of pathogenicity. Review status: criteria provided, conflicting classifications (1 of 4 stars). 9 submissions from 9 submitters: Uncertain significance (1); Benign (4); Likely benign (4). Last evaluated 2026-03-10.

Conditions:
NIPA1-related disorder. Also called: NIPA1-related condition.
Hereditary spastic paraplegia. Also called: Familial spastic paraparesis. Identifiers: Orphanet 685, MedGen C0037773, MONDO:0019064. Disease mechanism: loss of function.
Hereditary spastic paraplegia 6 (SPG6). Also called: SPASTIC PARAPLEGIA 6, AUTOSOMAL DOMINANT. Identifiers: Orphanet 100988, MedGen C1838192, MONDO:0010878, OMIM 600363.

Submissions (9):

PreventionGenetics, part of Exact Sciences
Classification: Benign for NIPA1-related condition. Last evaluated: 2026-03-10. Review status: criteria provided, single submitter. Criteria: ACMG Guidelines, 2015. Collection method: clinical testing. Allele origin: germline.
Comment: This variant is classified as benign based on ACMG/AMP sequence variant interpretation guidelines (Richards et al. 2015 PMID: 25741868, with internal and published modifications).

Labcorp Genetics (formerly Invitae), Labcorp
Classification: Likely benign for Hereditary spastic paraplegia 6. Last evaluated: 2026-02-01. Review status: criteria provided, single submitter. Criteria: Invitae Variant Classification Sherloc (09022015). Collection method: clinical testing. Allele origin: germline.

Mayo Clinic Laboratories, Mayo Clinic
Classification: Likely benign. Last evaluated: 2025-09-30. Review status: criteria provided, single submitter. Criteria: ACMG Guidelines, 2015. Collection method: clinical testing. Allele origin: germline. Observed: 35 variant alleles.
Comment: BS1

Laboratory of Genetics, Children's Clinical University Hospital Latvia
Classification: Likely benign. Last evaluated: 2025-02-16. Review status: criteria provided, single submitter. Criteria: ACMG Guidelines, 2015. Collection method: clinical testing. Allele origin: germline. Affected: yes.

Blueprint Genetics
Classification: Likely benign. Last evaluated: 2024-11-27. Review status: criteria provided, single submitter. Criteria: ACMG Guidelines, 2015. Collection method: clinical testing. Allele origin: germline.

Genome Diagnostics Laboratory, The Hospital for Sick Children
Classification: Benign for Hereditary spastic paraplegia. Last evaluated: 2021-12-13. Review status: criteria provided, single submitter. Criteria: ACMG Guidelines, 2015. Collection method: clinical testing. Allele origin: germline. Affected: yes.

GeneDx
Classification: Benign. Last evaluated: 2020-05-07. Review status: criteria provided, single submitter. Criteria: GeneDx Variant Classification Process June 2021. Collection method: clinical testing. Allele origin: germline. Affected: yes.
Comment: Not observed in large population cohorts (Lek et al., 2016)

Unit for Genetic & Epidemiological Research on Neurological Disorders, Instituto de Investigação e Inovação em Saúde
Classification: Uncertain significance for Hereditary spastic paraplegia. Last evaluated: 2017-03-07. Review status: criteria provided, single submitter. Criteria: Morais et al. (Eur J Hum Genet. 2017). Collection method: research. Allele origin: unknown. Affected: yes.

Eurofins Ntd Llc (ga)
Classification: Benign. Last evaluated: 2015-04-23. Review status: criteria provided, single submitter. Criteria: EGL Classification Definitions. Collection method: clinical testing. Allele origin: germline. Observed: 2 variant alleles, 2 heterozygotes.

Literature cited by the submitters: PubMed 32121108 (cited by Mayo Clinic Laboratories, Mayo Clinic); PubMed 14508708 (cited by Eurofins Ntd Llc (ga)).